The following is an entry in ClinVar:

ClinVar aggregate classification (germline): Uncertain significance (0 of 4 stars; one submission).

Conditions:
PCNT-related disorder. Also called: PCNT-related condition.

gnomAD v4.1: 10 of 1,611,046 alleles (0.00062%); highest among the groups gnomAD compares: East Asian, 0.0067%; no homozygotes.

Submission:

PreventionGenetics, part of Exact Sciences
Classification: Uncertain significance for PCNT-related condition. Last evaluated: 2023-12-07. Review status: no assertion criteria provided. Collection method: clinical testing. Allele origin: germline.
Comment: The PCNT c.5377G>C variant is predicted to result in the amino acid substitution p.Glu1793Gln. To our knowledge, this variant has not been reported in the literature. This variant is reported in 0.017% of alleles in individuals of East Asian descent in gnomAD. At this time, the clinical significance of this variant is uncertain due to the absence of conclusive functional and genetic evidence.

NM_006031.6(PCNT):c.5377G>C (p.Glu1793Gln)

Gene: PCNT (pericentrin; plus strand). Cytogenetic location: 21q22.3.
Variant type: single nucleotide variant.
Coding change: c.5377G>C on transcript NM_006031.6 (MANE Select); coding-DNA position 5377, G replaced by C.
Protein change: p.Glu1793Gln; replaces glutamic acid 1793 with glutamine.
Molecular consequence: missense variant.
Genome position (GRCh38, 1-based): chr21:46,411,450, G>C. VCF-style: chr21-46411450-G-C. GRCh37 (hg19) VCF-style: chr21-47831364-G-C.
Other names: c.5023G>C, p.Glu1675Gln (NM_001315529.2); short protein forms E1675Q, E1793Q.
Identifiers: ClinVar variation 3058450 (VCV003058450.2), dbSNP rs201379409, ClinGen allele CA10079968.